The following is an entry in ClinVar:

NM_014989.7(RIMS1):c.138GGA[1] (p.Glu48del)

Gene: RIMS1 (regulating synaptic membrane exocytosis 1; plus strand). Cytogenetic location: 6q13.
Variant type: Microsatellite.
Coding change: c.138GGA[1] on transcript NM_014989.7 (MANE Select); one copy of the 3-base unit GGA starting at c.138; the reference has two copies in a row; one copy, 3 bases deleted.
Protein change: p.Glu48del; deletes glutamic acid 48.
Molecular consequence: inframe deletion.
Genome position (GRCh38, 1-based): chr6:71,887,164-71,887,166, GGA deleted; deleting any 3 consecutive bases within chr6:71,887,159-71,887,166 gives the same sequence; the position shown is the placement nearest the transcript's 3' end. VCF-style (leftmost placement, unchanged base first): chr6-71887158-AGAG-A. GRCh37 (hg19) VCF-style: chr6-72596861-AGAG-A.
Other names: c.138GGA[1], p.Glu48del (NM_001350411.1, NM_001350412.1, NM_001350413.1); short protein forms E48del.
Identifiers: ClinVar variation 2115303 (VCV002115303.4), dbSNP rs2550901875, ClinGen allele CA2580617290.

ClinVar aggregate classification (germline): Uncertain significance (1 of 4 stars; one submission).

Submission:

Labcorp Genetics (formerly Invitae), Labcorp
Classification: Uncertain significance. Last evaluated: 2024-01-19. Review status: criteria provided, single submitter. Criteria: Invitae Variant Classification Sherloc (09022015). Collection method: clinical testing. Allele origin: germline.
Comment: This variant, c.141_143del, results in the deletion of 1 amino acid(s) of the RIMS1 protein (p.Glu48del), but otherwise preserves the integrity of the reading frame. This variant is not present in population databases (gnomAD no frequency). This variant has not been reported in the literature in individuals affected with RIMS1-related conditions. Experimental studies and prediction algorithms are not available or were not evaluated, and the functional significance of this variant is currently unknown. In summary, the available evidence is currently insufficient to determine the role of this variant in disease. Therefore, it has been classified as a Variant of Uncertain Significance.